The following is an entry in ClinVar:

NM_005026.5(PIK3CD):c.1189G>A (p.Val397Met)

Genes: PIK3CD (phosphatidylinositol-4,5-bisphosphate 3-kinase catalytic subunit delta; plus strand), LOC126805612 (MED14-independent group 3 enhancer GRCh37_chr1:9778914-9780113; plus strand). Cytogenetic location: 1p36.22.
Variant type: single nucleotide variant.
Coding change: c.1189G>A on transcript NM_005026.5 (MANE Select); coding-DNA position 1189, G replaced by A.
Protein change: p.Val397Met; replaces valine 397 with methionine.
Molecular consequence: missense variant.
Genome position (GRCh38, 1-based): chr1:9,718,862, G>A. VCF-style: chr1-9718862-G-A. GRCh37 (hg19) VCF-style: chr1-9778920-G-A.
Other names: c.1189G>A (LRG_191t1); c.1189G>A, p.Val397Met (NM_001350234.2); c.1102G>A, p.Val368Met (NM_001350235.1); short protein forms V397M, V368M.
Identifiers: ClinVar variation 581916 (VCV000581916.17), dbSNP rs571644641, ClinGen allele CA577108.

ClinVar aggregate classification (germline): Conflicting classifications of pathogenicity. Review status: criteria provided, conflicting classifications (1 of 4 stars). 5 submissions from 5 submitters: Uncertain significance (4); Likely benign (1). Last evaluated 2026-03-03.

Conditions:
PIK3CD-related disorder. Also called: PIK3CD-related condition.
Inborn genetic diseases. Identifiers: MedGen C0950123, MeSH D030342.
Immunodeficiency 14 (IMD14A). Also called: p110-DELTA-ACTIVATING MUTATION CAUSING SENESCENT T CELLS, LYMPHADENOPATHY, AND IMMUNODEFICIENCY; IMMUNODEFICIENCY 14A WITH LYMPHOPROLIFERATION, AUTOSOMAL DOMINANT; ACTIVATED PI3K-DELTA SYNDROME 1; Activated PI3K Delta Syndrome Type 1 (APDS1). Identifiers: Orphanet 397596, Orphanet 693661, MedGen C5907821, MONDO:0014222, OMIM 615513.

Allele frequency attached by ClinVar (database versions not stated): gnomAD 0.00005 and 0.00006; gnomAD exomes 0.00002; TOPMed 0.00005; ExAC 0.00001.
gnomAD v4.1: 34 of 1,613,012 alleles (0.0021%); highest among the groups gnomAD compares: Middle Eastern, 0.016%; no homozygotes.

Submissions (5):

Women's Health and Genetics/Laboratory Corporation of America, LabCorp
Classification: Uncertain significance. Last evaluated: 2026-03-03. Review status: criteria provided, single submitter. Criteria: LabCorp Variant Classification Summary - May 2015. Collection method: clinical testing. Allele origin: germline.
Comment: Variant summary: PIK3CD c.1189G>A (p.Val397Met) results in a conservative amino acid change in the encoded protein sequence. Algorithms developed to predict the effect of missense changes on protein structure and function are either unavailable or do not agree on the potential impact of this missense change. The variant allele was found at a frequency of 2e-05 in 250684 control chromosomes. The available data on variant occurrences in the general population are insufficient to allow any conclusion about variant significance. c.1189G>A has been observed in an unknown state in at least 2 individual(s) affected with clinical features of Immunodeficiency 14 (example, Polyakova_2023, Campbell_2026) without strong evidence for causality. These report(s) do not provide unequivocal conclusions about association of the variant with Immunodeficiency 14. To our knowledge, no experimental evidence demonstrating an impact on protein function has been reported. The following publications has been ascertained in the context of this evaluation (PMID: 40706702). ClinVar contains an entry for this variant (Variation ID: 581916). Based on the evidence outlined above, the variant was classified as uncertain significance.

Labcorp Genetics (formerly Invitae), Labcorp
Classification: Uncertain significance for Activated PI3K-delta syndrome. Last evaluated: 2025-12-21. Review status: criteria provided, single submitter. Criteria: Invitae Variant Classification Sherloc (09022015). Collection method: clinical testing. Allele origin: germline.
Comment: This sequence change replaces valine, which is neutral and non-polar, with methionine, which is neutral and non-polar, at codon 397 of the PIK3CD protein (p.Val397Met). This variant is present in population databases (rs571644641, gnomAD 0.008%). This variant has not been reported in the literature in individuals affected with PIK3CD-related conditions. ClinVar contains an entry for this variant (Variation ID: 581916). Invitae Evidence Modeling of protein sequence and biophysical properties (such as structural, functional, and spatial information, amino acid conservation, physicochemical variation, residue mobility, and thermodynamic stability) has been performed for this missense variant. However, the output from this modeling did not meet the statistical confidence thresholds required to predict the impact of this variant on PIK3CD protein function. In summary, the available evidence is currently insufficient to determine the role of this variant in disease. Therefore, it has been classified as a Variant of Uncertain Significance.

PreventionGenetics, part of Exact Sciences
Classification: Uncertain significance for PIK3CD-related condition. Last evaluated: 2025-01-15. Review status: criteria provided, single submitter. Criteria: ACMG Guidelines, 2015. Collection method: clinical testing. Allele origin: germline.
Comment: The PIK3CD c.1189G>A variant is predicted to result in the amino acid substitution p.Val397Met. To our knowledge, this variant has not been reported in the literature. This variant is reported in 0.0080% of alleles in individuals of African descent in gnomAD. Although we suspect that this variant may be benign, at this time, the clinical significance of this variant is uncertain due to the absence of conclusive functional and genetic evidence.

Blueprint Genetics
Classification: Likely benign. Last evaluated: 2024-11-26. Review status: criteria provided, single submitter. Criteria: ACMG Guidelines, 2015. Collection method: clinical testing. Allele origin: germline.

Ambry Genetics
Classification: Uncertain significance for Inborn genetic diseases. Last evaluated: 2022-09-27. Review status: criteria provided, single submitter. Criteria: Ambry Variant Classification Scheme 2023. Collection method: clinical testing. Allele origin: germline.

Literature cited by the submitters: PubMed 40706702 (cited by Women's Health and Genetics/Laboratory Corporation of America, LabCorp).